The following is an entry in ClinVar:

ClinVar aggregate classification (germline): Uncertain significance (1 of 4 stars; one submission).

gnomAD v4.1: 6 of 1,614,160 alleles (0.00037%); highest among the groups gnomAD compares: Non-Finnish European, 0.00042%; no homozygotes.

Submission:

Labcorp Genetics (formerly Invitae), Labcorp
Classification: Uncertain significance. Last evaluated: 2022-08-16. Review status: criteria provided, single submitter. Criteria: Invitae Variant Classification Sherloc (09022015). Collection method: clinical testing. Allele origin: germline.
Comment: This sequence change replaces proline, which is neutral and non-polar, with arginine, which is basic and polar, at codon 711 of the COL9A1 protein (p.Pro711Arg). This variant is not present in population databases (gnomAD no frequency). This variant has not been reported in the literature in individuals affected with COL9A1-related conditions. ClinVar contains an entry for this variant (Variation ID: 1018589). Advanced modeling of protein sequence and biophysical properties (such as structural, functional, and spatial information, amino acid conservation, physicochemical variation, residue mobility, and thermodynamic stability) performed at Invitae indicates that this missense variant is not expected to disrupt COL9A1 protein function. In summary, the available evidence is currently insufficient to determine the role of this variant in disease. Therefore, it has been classified as a Variant of Uncertain Significance.

NM_001851.6(COL9A1):c.2132C>G (p.Pro711Arg)

Gene: COL9A1 (collagen type IX alpha 1 chain; minus strand). Cytogenetic location: 6q13.
Variant type: single nucleotide variant.
Coding change: c.2132C>G on transcript NM_001851.6 (MANE Select); coding-DNA position 2132, C replaced by G.
Protein change: p.Pro711Arg; replaces proline 711 with arginine.
Molecular consequence: missense variant. On other transcripts: non-coding transcript variant (1), intron variant (1).
Genome position (GRCh38, 1-based): chr6:70,234,921, G>C on the plus strand (C>G on the coding strand, the complement: COL9A1 is on the minus strand). VCF-style: chr6-70234921-G-C. GRCh37 (hg19) VCF-style: chr6-70944624-G-C.
Other names: c.1433C>G, p.Pro478Arg (NM_001377289.1); c.1403C>G, p.Pro468Arg (NM_078485.4); c.1384-328C>G (NM_001377290.1); short protein forms P468R, P478R, P711R.
Identifiers: ClinVar variation 1018589 (VCV001018589.7), dbSNP rs1032780767, ClinGen allele CA140848765.
Genomic context (GRCh38, chr6:70,234,921, plus strand): 5'-GGTCCTCTTGGTCCTTCCACTCCAGGAAGCCCCCGACTTCCCTCAGGCCCTCTCAAGCCA[G>C]GTTCCCCAGGATTACCTGCCTGGAACACAATTGCACACTATCAAACCAGGGCTAAGCATA-3'
Protein context (NP_001842.3, residues 701-721): PKGSAGNPGE[Pro711Arg]GLRGPEGSRG